The following is an entry in ClinVar:

ClinVar aggregate classification (germline): Uncertain significance (1 of 4 stars; one submission).

Conditions:
Ehlers-Danlos syndrome, kyphoscoliotic type 1 (EDSKSCL1). Also called: EHLERS-DANLOS SYNDROME, TYPE VIA; Ehlers-Danlos syndrome, hydroxylysine-deficient; EHLERS-DANLOS SYNDROME, OCULAR-SCOLIOTIC TYPE; PLOD1-Related Kyphoscoliotic Ehlers-Danlos Syndrome. Identifiers: Orphanet 1900, MedGen C0268342, MONDO:0016002, OMIM 225400. Disease mechanism: loss of function.

Allele frequency attached by ClinVar (database versions not stated): gnomAD exomes below 0.00001; gnomAD 0.00002; TOPMed 0.00002.
gnomAD v4.1: 7 of 1,614,010 alleles (0.00043%); highest among the groups gnomAD compares: Non-Finnish European, 0.00059%; no homozygotes.

Submission:

Labcorp Genetics (formerly Invitae), Labcorp
Classification: Uncertain significance for Ehlers-Danlos syndrome, kyphoscoliotic type 1. Last evaluated: 2022-05-21. Review status: criteria provided, single submitter. Criteria: Invitae Variant Classification Sherloc (09022015). Collection method: clinical testing. Allele origin: germline.
Comment: This sequence change replaces leucine, which is neutral and non-polar, with valine, which is neutral and non-polar, at codon 94 of the PLOD1 protein (p.Leu94Val). This variant is not present in population databases (gnomAD no frequency). This variant has not been reported in the literature in individuals affected with PLOD1-related conditions. Algorithms developed to predict the effect of missense changes on protein structure and function are either unavailable or do not agree on the potential impact of this missense change (SIFT: "Tolerated"; PolyPhen-2: "Possibly Damaging"; Align-GVGD: "Class C0"). In summary, the available evidence is currently insufficient to determine the role of this variant in disease. Therefore, it has been classified as a Variant of Uncertain Significance.

NM_000302.4(PLOD1):c.280C>G (p.Leu94Val)

Gene: PLOD1 (procollagen-lysine,2-oxoglutarate 5-dioxygenase 1; plus strand). Cytogenetic location: 1p36.22.
Variant type: single nucleotide variant.
Coding change: c.280C>G on transcript NM_000302.4 (MANE Select); coding-DNA position 280, C replaced by G.
Protein change: p.Leu94Val; replaces leucine 94 with valine.
Molecular consequence: missense variant.
Genome position (GRCh38, 1-based): chr1:11,949,884, C>G. VCF-style: chr1-11949884-C-G. GRCh37 (hg19) VCF-style: chr1-12009941-C-G.
Other names: c.421C>G, p.Leu141Val (NM_001316320.2); short protein forms L141V, L94V.
Identifiers: ClinVar variation 1984121 (VCV001984121.1), dbSNP rs1049035720, ClinGen allele CA17998906.